The following is an entry in ClinVar:

ClinVar aggregate classification (germline): Likely benign (1 of 4 stars; one submission).

gnomAD v4.1: 309 of 1,589,362 alleles (0.019%); highest among the groups gnomAD compares: Non-Finnish European, 0.023%; 1 homozygote.

Submission:

CeGaT Center for Human Genetics Tuebingen
Classification: Likely benign. Last evaluated: 2025-02-01. Review status: criteria provided, single submitter. Criteria: CeGaT Center For Human Genetics Tuebingen Variant Classification Criteria Version 2. Collection method: clinical testing. Allele origin: germline. Affected: yes. Observed: 1 variant allele.
Comment: ABCA7: BP4

NM_019112.4(ABCA7):c.3148-5C>T

Gene: ABCA7 (ATP binding cassette subfamily A member 7; plus strand). Cytogenetic location: 19p13.3.
Variant type: single nucleotide variant.
Coding change: c.3148-5C>T on transcript NM_019112.4 (MANE Select); 5 bases into the intron before coding-DNA position 3148, C replaced by T.
Molecular consequence: intron variant.
Genome position (GRCh38, 1-based): chr19:1,052,209, C>T. VCF-style: chr19-1052209-C-T. GRCh37 (hg19) VCF-style: chr19-1052208-C-T.
Identifiers: ClinVar variation 3770711 (VCV003770711.13).